The following is an entry in ClinVar:

NM_000548.5(TSC2):c.4834G>T (p.Asp1612Tyr)

Gene: TSC2 (TSC complex subunit 2; plus strand). Cytogenetic location: 16p13.3.
Variant type: single nucleotide variant.
Coding change: c.4834G>T on transcript NM_000548.5 (MANE Select); coding-DNA position 4834, G replaced by T.
Protein change: p.Asp1612Tyr; replaces aspartic acid 1612 with tyrosine.
Molecular consequence: missense variant.
Genome position (GRCh38, 1-based): chr16:2,086,364, G>T. VCF-style: chr16-2086364-G-T. GRCh37 (hg19) VCF-style: chr16-2136365-G-T.
Other names: c.4633G>T, p.Asp1545Tyr (NM_001077183.3); c.4765G>T, p.Asp1589Tyr (NM_001114382.3); c.4525G>T, p.Asp1509Tyr (NM_001318827.2); c.4489G>T, p.Asp1497Tyr (NM_001318829.2); c.4102G>T, p.Asp1368Tyr (NM_001318831.2); c.4666G>T, p.Asp1556Tyr (NM_001318832.2); c.4636G>T, p.Asp1546Tyr (NM_001363528.2); c.4702G>T, p.Asp1568Tyr (NM_001370404.1); and 1 more; short protein forms D1612Y, D1497Y, D1545Y, D1556Y, D1368Y, D1509Y, D1589Y, D1546Y.
Identifiers: ClinVar variation 486651 (VCV000486651.12), dbSNP rs886051795, ClinGen allele CA394308125.

ClinVar aggregate classification (germline): Uncertain significance. Review status: criteria provided, multiple submitters, no conflicts (2 of 4 stars). 3 submissions from 3 submitters: Uncertain significance (3). Last evaluated 2026-07-13.

Conditions:
Hereditary cancer-predisposing syndrome. Also called: Neoplastic Syndromes, Hereditary; Hereditary neoplastic syndrome; Hereditary Cancer Syndrome; Tumor predisposition. Identifiers: Orphanet 140162, MedGen C0027672, MeSH D009386, MONDO:0015356.
Tuberous sclerosis 2 (TSC2). Identifiers: Orphanet 805, MedGen C1860707, MONDO:0013199, OMIM 613254.

Submissions (3):

Ambry Genetics
Classification: Uncertain significance for Hereditary cancer-predisposing syndrome. Last evaluated: 2026-07-13. Review status: criteria provided, single submitter. Criteria: Ambry Variant Classification Scheme 2023. Collection method: clinical testing. Allele origin: germline.
Comment: The p.D1612Y variant (also known as c.4834G>T), located in coding exon 36 of the TSC2 gene, results from a G to T substitution at nucleotide position 4834. The aspartic acid at codon 1612 is replaced by tyrosine, an amino acid with highly dissimilar properties. This amino acid position is highly conserved in available vertebrate species. In addition, this alteration is predicted to be deleterious by in silico analysis. Based on the available evidence, the clinical significance of this variant remains unclear.

GeneDx
Classification: Uncertain significance. Last evaluated: 2025-08-09. Review status: criteria provided, single submitter. Criteria: GeneDx Variant Classification Process June 2021. Collection method: clinical testing. Allele origin: germline. Affected: yes.
Comment: Not observed at significant frequency in large population cohorts (gnomAD); In silico analysis supports that this missense variant has a deleterious effect on protein structure/function; Has not been previously published as pathogenic or benign to our knowledge; This variant is associated with the following publications: (PMID: 18466115)

Labcorp Genetics (formerly Invitae), Labcorp
Classification: Uncertain significance for Tuberous sclerosis 2. Last evaluated: 2022-02-18. Review status: criteria provided, single submitter. Criteria: Invitae Variant Classification Sherloc (09022015). Collection method: clinical testing. Allele origin: germline.
Comment: In summary, the available evidence is currently insufficient to determine the role of this variant in disease. Therefore, it has been classified as a Variant of Uncertain Significance. Advanced modeling of protein sequence and biophysical properties (such as structural, functional, and spatial information, amino acid conservation, physicochemical variation, residue mobility, and thermodynamic stability) performed at Invitae indicates that this missense variant is expected to disrupt TSC2 protein function. ClinVar contains an entry for this variant (Variation ID: 486651). This variant has not been reported in the literature in individuals affected with TSC2-related conditions. This variant is not present in population databases (gnomAD no frequency). This sequence change replaces aspartic acid, which is acidic and polar, with tyrosine, which is neutral and polar, at codon 1612 of the TSC2 protein (p.Asp1612Tyr).